The following is an entry in ClinVar:

NM_001206979.2(NR1H4):c.770T>C (p.Leu257Pro)

Gene: NR1H4 (nuclear receptor subfamily 1 group H member 4; plus strand). Cytogenetic location: 12q23.1.
Variant type: single nucleotide variant.
Coding change: c.770T>C on transcript NM_001206979.2 (MANE Select); coding-DNA position 770, T replaced by C.
Protein change: p.Leu257Pro; replaces leucine 257 with proline.
Molecular consequence: missense variant. On other transcripts: non-coding transcript variant (1).
Genome position (GRCh38, 1-based): chr12:100,536,549, T>C. VCF-style: chr12-100536549-T-C. GRCh37 (hg19) VCF-style: chr12-100930327-T-C.
Other names: c.770T>C, p.Leu257Pro (NM_001206977.2); c.617T>C, p.Leu206Pro (NM_001206978.2); c.788T>C, p.Leu263Pro (NM_001206992.2); c.800T>C, p.Leu267Pro (NM_001206993.2); c.758T>C, p.Leu253Pro (NM_005123.4); short protein forms L253P, L267P, L257P, L206P, L263P.
Identifiers: ClinVar variation 4998186 (VCV004998186.1).

ClinVar aggregate classification (germline): Uncertain significance (1 of 4 stars; one submission).

Conditions:
NR1H4-related disorder. Also called: NR1H4-related condition.

Submission:

PreventionGenetics, part of Exact Sciences
Classification: Uncertain significance for NR1H4-related condition. Last evaluated: 2025-01-24. Review status: criteria provided, single submitter. Criteria: ACMG Guidelines, 2015. Collection method: clinical testing. Allele origin: germline.
Comment: The NR1H4 c.758T>C variant is predicted to result in the amino acid substitution p.Leu253Pro. To our knowledge, this variant has not been reported in the literature or in a large population database (gnomAD), indicating this variant is rare. At this time, the clinical significance of this variant is uncertain due to the absence of conclusive functional and genetic evidence.